The following is an entry in ClinVar:

ClinVar aggregate classification (germline): Likely benign. Review status: criteria provided, multiple submitters, no conflicts (2 of 4 stars). 2 submissions from 2 submitters: Likely benign (2). Last evaluated 2025-04-13.

Conditions:
ROBO4-related disorder. Also called: ROBO4-related condition.

Allele frequency attached by ClinVar (database versions not stated): ESP Exome Variant Server 0.00008; 1000 Genomes Project 0.00020; 1000 Genomes Project 30x 0.00031; ExAC 0.00031.

Submissions (2):

PreventionGenetics, part of Exact Sciences
Classification: Likely benign for ROBO4-related condition. Last evaluated: 2025-04-13. Review status: criteria provided, single submitter. Criteria: ACMG Guidelines, 2015. Collection method: clinical testing. Allele origin: germline.
Comment: This variant is classified as likely benign based on ACMG/AMP sequence variant interpretation guidelines (Richards et al. 2015 PMID: 25741868, with internal and published modifications).

CeGaT Center for Human Genetics Tuebingen
Classification: Likely benign. Last evaluated: 2023-10-01. Review status: criteria provided, single submitter. Criteria: CeGaT Center For Human Genetics Tuebingen Variant Classification Criteria Version 2. Collection method: clinical testing. Allele origin: germline. Affected: yes. Observed: 2 variant alleles.
Comment: ROBO4: BP4, BP7

NM_019055.6(ROBO4):c.1758C>A (p.Ile586=)

Gene: ROBO4 (roundabout guidance receptor 4; minus strand). Cytogenetic location: 11q24.2.
Variant type: single nucleotide variant.
Coding change: c.1758C>A on transcript NM_019055.6 (MANE Select); coding-DNA position 1758, C replaced by A.
Protein change: p.Ile586=; no amino-acid change (isoleucine 586 retained).
Molecular consequence: synonymous variant.
Genome position (GRCh38, 1-based): chr11:124,891,489, G>T on the plus strand (C>A on the coding strand, the complement: ROBO4 is on the minus strand). VCF-style: chr11-124891489-G-T. GRCh37 (hg19) VCF-style: chr11-124761385-G-T.
Other names: c.1323C>A, p.Ile441= (NM_001301088.2); c.1758C>A (NM_019055.5).
Identifiers: ClinVar variation 2642505 (VCV002642505.25), dbSNP rs111626453, ClinGen allele CA6344820.